The following is an entry in ClinVar:

NM_000038.6(APC):c.136-383G>T

Gene: APC (APC regulator of WNT signaling pathway; plus strand). Cytogenetic location: 5q22.2.
Variant type: single nucleotide variant.
Coding change: c.136-383G>T on transcript NM_000038.6 (MANE Select); 383 bases into the intron before coding-DNA position 136, G replaced by T.
Molecular consequence: intron variant.
Genome position (GRCh38, 1-based): chr5:112,765,943, G>T. VCF-style: chr5-112765943-G-T. GRCh37 (hg19) VCF-style: chr5-112101640-G-T.
Other names: c.136-383G>T (NM_001354895.2, NM_001127510.3, NM_001354896.2 and 2 more transcripts); c.166-383G>T (NM_001354897.2, NM_001354902.2, NM_001127511.3); c.61-383G>T (NM_001354898.2, NM_001354904.2); c.-900-383G>T (NM_001354906.2); c.-42-383G>T (NM_001354900.2, NM_001354901.2, NM_001354905.2).
Identifiers: ClinVar variation 82392 (VCV000082392.2), dbSNP rs78519130, ClinGen allele CA004744.

ClinVar aggregate classification (germline): other (0 of 4 stars; one submission).

Conditions:
Familial colorectal cancer. Identifiers: MedGen CN280943, MONDO:0023113. Disease mechanism: loss of function.

Submission:

Systems Biology Platform Zhejiang California International NanoSystems Institute
Classification: other for Familial colorectal cancer. Review status: no assertion criteria provided. Collection method: not provided. Allele origin: unknown.
ClinVar note: Converted during submission from cancer to other.